The following is an entry in ClinVar:

NM_000520.6(HEXA):c.1142_1146del (p.Val381fs)

Gene: HEXA (hexosaminidase subunit alpha; minus strand). Cytogenetic location: 15q23.
Variant type: Microsatellite.
Coding change: c.1142_1146del on transcript NM_000520.6 (MANE Select); coding-DNA positions 1142 to 1146, 5 bases deleted (TAAAG; older notation c.1142_1146delTAAAG).
Protein change: p.Val381fs; shifts the reading frame from valine 381.
Molecular consequence: frameshift variant.
Genome position (GRCh38, 1-based): chr15:72,347,686-72,347,690, CTTTA deleted on the plus strand (TAAAG on the coding strand, the reverse complement: HEXA is on the minus strand); deleting any 5 consecutive bases within chr15:72,347,686-72,347,695 gives the same sequence; the c. name uses the placement nearest the transcript's 3' end. VCF-style (leftmost placement, unchanged base first): chr15-72347685-CCTTTA-C. GRCh37 (hg19) VCF-style: chr15-72640026-CCTTTA-C.
Other names: c.1175_1179del, p.Val392fs (NM_001318825.2); c.1142_1146del (NM_000520.5); short protein forms V381fs, V392fs.
Identifiers: ClinVar variation 817101 (VCV000817101.7), dbSNP rs1595798033, ClinGen allele CA915946067.
Genomic context (GRCh38, chr15:72,347,685, plus strand): 5'-AGCTGGGGAGACCAGAGGGAGGCACTGCTGGTGGCTTCTTCTCTTCTCTGCCCCGGCTCA[CCTTTA>C]CTTTATTATCAAACACCTCCTGCCACACCACATAGCCCTTGCCATAAGAAGAGACGATGT-3'

ClinVar aggregate classification (germline): Pathogenic/Likely pathogenic. Review status: criteria provided, multiple submitters, no conflicts (2 of 4 stars). 3 submissions from 3 submitters: Pathogenic (1); Likely pathogenic (2). Last evaluated 2025-09-28.

Conditions:
Tay-Sachs disease (TSD). Also called: GM2 gangliosidosis, type 1; Hexosaminidase alpha-subunit deficiency (variant B); Sphingolipidosis, Tay-Sachs; HEXA Disorders; HEXA DEFICIENCY; Hexosaminidase A Deficiency. Identifiers: Orphanet 845, MedGen C0039373, MONDO:0010100, OMIM 272800.

Submissions (3):

Labcorp Genetics (formerly Invitae), Labcorp
Classification: Pathogenic for Tay-Sachs disease. Last evaluated: 2025-09-28. Review status: criteria provided, single submitter. Criteria: Invitae Variant Classification Sherloc (09022015). Collection method: clinical testing. Allele origin: germline.
Comment: This sequence change creates a premature translational stop signal (p.Val381Aspfs*48) in the HEXA gene. It is expected to result in an absent or disrupted protein product. Loss-of-function variants in HEXA are known to be pathogenic (PMID: 1833974, 8490625). This variant is not present in population databases (gnomAD no frequency). This variant has not been reported in the literature in individuals affected with HEXA-related conditions. Algorithms developed to predict the effect of sequence changes on RNA splicing suggest that this variant may disrupt the consensus splice site. For these reasons, this variant has been classified as Pathogenic.

Natera, Inc.
Classification: Likely pathogenic for Tay-Sachs disease. Last evaluated: 2025-06-23. Review status: criteria provided, single submitter. Criteria: Natera Variant Classification Schema (03/2026). Collection method: clinical testing. Allele origin: germline.
Comment: The c.1142_1146del variant in HEXA is a frameshift variant predicted to shift the reading frame beginning at codon 381 and leads to a stop codon 48 codons downstream. This variant is expected to result in nonsense mediated decay, truncation, or a dysfunctional protein product. This variant is rare in the general population with a frequency below the threshold expected for the associated phenotype(s). Given the available evidence, this variant is classified as Likely Pathogenic.

GeneDx
Classification: Likely pathogenic. Last evaluated: 2018-06-14. Review status: criteria provided, single submitter. Criteria: GeneDx Variant Classification (06012015). Collection method: clinical testing. Allele origin: germline. Affected: yes.
Comment: The c.1142_1146delTAAAG variant in the HEXA gene has not been reported previously as a pathogenic variant nor as a benign variant, to our knowledge. The c.1142_1146delTAAAG variant causes a frameshift starting with codon Valine 381, changes this amino acid to an Aspartic Acid residue, and creates a premature Stop codon at position 48 of the new reading frame, denoted p.Val381AspfsX48. This variant is predicted to cause loss of normal protein function either through protein truncation or nonsense-mediated mRNA decay. The c.1142_1146delTAAAG variant is not observed in large population cohorts (Lek et al., 2016). We interpret c.1142_1146delTAAAG as a likely pathogenic variant.

Literature cited by the submitters: PubMed 1833974 (cited by Labcorp Genetics (formerly Invitae), Labcorp); PubMed 8490625 (cited by Labcorp Genetics (formerly Invitae), Labcorp).